The following is an entry in ClinVar:

NM_005585.5(SMAD6):c.247C>G (p.Arg83Gly)

Gene: SMAD6 (SMAD family member 6; plus strand). Cytogenetic location: 15q22.31.
Variant type: single nucleotide variant.
Coding change: c.247C>G on transcript NM_005585.5 (MANE Select); coding-DNA position 247, C replaced by G.
Protein change: p.Arg83Gly; replaces arginine 83 with glycine.
Molecular consequence: missense variant. On other transcripts: non-coding transcript variant (1).
Genome position (GRCh38, 1-based): chr15:66,703,505, C>G. VCF-style: chr15-66703505-C-G. GRCh37 (hg19) VCF-style: chr15-66995843-C-G.
Other names: c.247C>G (NM_005585.4); short protein forms R83G.
Identifiers: ClinVar variation 1509667 (VCV001509667.9), dbSNP rs1301285133, ClinGen allele CA392949042.

ClinVar aggregate classification (germline): Uncertain significance. Review status: criteria provided, multiple submitters, no conflicts (2 of 4 stars). 2 submissions from 2 submitters: Uncertain significance (2). Last evaluated 2025-11-24.

Conditions:
Aortic valve disease 2 (AOVD2). Identifiers: MedGen C3542024, MONDO:0013902, OMIM 614823.
Inborn genetic diseases. Identifiers: MedGen C0950123, MeSH D030342.

gnomAD v4.1: 5 of 1,224,766 alleles (0.00041%); highest among the groups gnomAD compares: South Asian, 0.0041%; no homozygotes.

Submissions (2):

Ambry Genetics
Classification: Uncertain significance for Inborn genetic diseases. Last evaluated: 2025-11-24. Review status: criteria provided, single submitter. Criteria: Ambry Variant Classification Scheme 2023. Collection method: clinical testing. Allele origin: germline.
Comment: The p.R83G variant (also known as c.247C>G), located in coding exon 1 of the SMAD6 gene, results from a C to G substitution at nucleotide position 247. The arginine at codon 83 is replaced by glycine, an amino acid with dissimilar properties. This amino acid position is conserved. In addition, this alteration is predicted to be tolerated by in silico analysis. Based on the available evidence, the clinical significance of this variant remains unclear.

Labcorp Genetics (formerly Invitae), Labcorp
Classification: Uncertain significance for Aortic valve disease 2. Last evaluated: 2025-09-18. Review status: criteria provided, single submitter. Criteria: Invitae Variant Classification Sherloc (09022015). Collection method: clinical testing. Allele origin: germline.
Comment: This sequence change replaces arginine, which is basic and polar, with glycine, which is neutral and non-polar, at codon 83 of the SMAD6 protein (p.Arg83Gly). The frequency data for this variant in the population databases is considered unreliable, as metrics indicate poor data quality at this position in the gnomAD database. This variant has not been reported in the literature in individuals affected with SMAD6-related conditions. ClinVar contains an entry for this variant (Variation ID: 1509667). An algorithm developed to predict the effect of missense changes on protein structure and function (PolyPhen-2) suggests that this variant is likely to be tolerated. In summary, the available evidence is currently insufficient to determine the role of this variant in disease. Therefore, it has been classified as a Variant of Uncertain Significance.